The following is an entry in ClinVar:

ClinVar aggregate classification (germline): Likely benign. Review status: criteria provided, multiple submitters, no conflicts (2 of 4 stars). 3 submissions from 3 submitters: Likely benign (3). Last evaluated 2026-01-15.

Allele frequency attached by ClinVar (database versions not stated): gnomAD 0.00001 and 0.00002; TOPMed 0.00002.
gnomAD v4.1: 58 of 1,613,986 alleles (0.0036%); highest among the groups gnomAD compares: Middle Eastern, 0.016%; 1 homozygote.

Submissions (3):

Labcorp Genetics (formerly Invitae), Labcorp
Classification: Likely benign. Last evaluated: 2026-01-15. Review status: criteria provided, single submitter. Criteria: Invitae Variant Classification Sherloc (09022015). Collection method: clinical testing. Allele origin: germline.

Blueprint Genetics
Classification: Likely benign. Last evaluated: 2022-11-14. Review status: criteria provided, single submitter. Criteria: ACMG Guidelines, 2015. Collection method: clinical testing. Allele origin: germline.

CeGaT Center for Human Genetics Tuebingen
Classification: Likely benign. Last evaluated: 2022-07-01. Review status: criteria provided, single submitter. Criteria: CeGaT Center For Human Genetics Tuebingen Variant Classification Criteria Version 2. Collection method: clinical testing. Allele origin: germline. Affected: yes. Observed: 1 variant allele.
Comment: TRRAP: BP4, BP7

NM_001375524.1(TRRAP):c.9129C>T (p.Ile3043=)

Gene: TRRAP (transformation/transcription domain associated protein; plus strand). Cytogenetic location: 7q22.1.
Variant type: single nucleotide variant.
Coding change: c.9129C>T on transcript NM_001375524.1 (MANE Select); coding-DNA position 9129, C replaced by T.
Protein change: p.Ile3043=; no amino-acid change (isoleucine 3043 retained).
Molecular consequence: synonymous variant.
Genome position (GRCh38, 1-based): chr7:98,984,199, C>T. VCF-style: chr7-98984199-C-T. GRCh37 (hg19) VCF-style: chr7-98581822-C-T.
Other names: c.9141C>T, p.Ile3047= (NM_001244580.2); c.9054C>T, p.Ile3018= (NM_003496.4).
Identifiers: ClinVar variation 718622 (VCV000718622.38), dbSNP rs944320481, ClinGen allele CA163079838.
Genomic context (GRCh38, chr7:98,984,199, plus strand): 5'-AAATAACGCTATGCTTGGGGTTCATGCATCAGCTTCAGCGATCATCCAGTATGGAAAAAT[C>T]GCCCGGAAACAAGGACTGGTCAATGTAGCTCTGGATATATTAAGTCGGATTCATACTATT-3'
Protein context (NP_001362453.1, residues 3033-3053): SASAIIQYGK[Ile3043=]ARKQGLVNVA